The following is an entry in ClinVar:

NM_000722.4(CACNA2D1):c.1801G>A (p.Ala601Thr)

Gene: CACNA2D1 (calcium voltage-gated channel auxiliary subunit alpha2delta 1; minus strand). Cytogenetic location: 7q21.11.
Variant type: single nucleotide variant.
Coding change: c.1801G>A on transcript NM_000722.4 (MANE Select); coding-DNA position 1801, G replaced by A.
Protein change: p.Ala601Thr; replaces alanine 601 with threonine.
Molecular consequence: missense variant.
Genome position (GRCh38, 1-based): chr7:81,984,707, C>T on the plus strand (G>A on the coding strand, the complement: CACNA2D1 is on the minus strand). VCF-style: chr7-81984707-C-T. GRCh37 (hg19) VCF-style: chr7-81614023-C-T.
Other names: c.1858G>A, p.Ala620Thr (NM_001366867.1); short protein forms A601T, A620T.
Identifiers: ClinVar variation 3232252 (VCV003232252.1), dbSNP rs2484818897, ClinGen allele CA367876305.

ClinVar aggregate classification (germline): Uncertain significance (1 of 4 stars; one submission).

Conditions:
Cardiovascular phenotype. Identifiers: MedGen CN230736.

Submission:

Ambry Genetics
Classification: Uncertain significance for Cardiovascular phenotype. Last evaluated: 2024-03-01. Review status: criteria provided, single submitter. Criteria: Ambry Variant Classification Scheme 2023. Collection method: clinical testing. Allele origin: germline.
Comment: The p.A601T variant (also known as c.1801G>A), located in coding exon 22 of the CACNA2D1 gene, results from a G to A substitution at nucleotide position 1801. The alanine at codon 601 is replaced by threonine, an amino acid with similar properties. This amino acid position is conserved. In addition, the in silico prediction for this alteration is inconclusive. Based on the available evidence, the clinical significance of this alteration remains unclear.